The following is an entry in ClinVar:

NM_001360.3(DHCR7):c.1342G>A (p.Glu448Lys)

Gene: DHCR7 (7-dehydrocholesterol reductase; minus strand). Cytogenetic location: 11q13.4.
Variant type: single nucleotide variant.
Coding change: c.1342G>A on transcript NM_001360.3 (MANE Select); coding-DNA position 1342, G replaced by A.
Protein change: p.Glu448Lys; replaces glutamic acid 448 with lysine.
Molecular consequence: missense variant.
Genome position (GRCh38, 1-based): chr11:71,435,461, C>T on the plus strand (G>A on the coding strand, the complement: DHCR7 is on the minus strand). VCF-style: chr11-71435461-C-T. GRCh37 (hg19) VCF-style: chr11-71146507-C-T.
Other names: c.1342G>A, p.Glu448Lys (NM_001163817.2); short protein forms E448K.
Identifiers: ClinVar variation 6792 (VCV000006792.60), dbSNP rs80338864, ClinGen allele CA118513.

ClinVar aggregate classification (germline): Pathogenic/Likely pathogenic. Review status: criteria provided, multiple submitters, no conflicts (2 of 4 stars). 14 submissions from 14 submitters: Pathogenic (10); Likely pathogenic (2). 2 of the submissions do not count toward it. Last evaluated 2026-01-26.

Conditions:
DHCR7-related disorder. Also called: DHCR7-related condition.
Smith-Lemli-Opitz syndrome (SLOS). Also called: LETHAL ACRODYSGENITAL SYNDROME; 7-Dehydrocholesterol reductase deficiency; POLYDACTYLY, SEX REVERSAL, RENAL HYPOPLASIA, AND UNILOBAR LUNG; RSH SYNDROME; RUTLEDGE LETHAL MULTIPLE CONGENITAL ANOMALY SYNDROME. Identifiers: Orphanet 818, MedGen C0175694, MONDO:0010035, OMIM 270400.

Allele frequency attached by ClinVar (database versions not stated): ExAC 0.00001; TOPMed 0.00002; gnomAD 0.00003.

Submissions (14):

Labcorp Genetics (formerly Invitae), Labcorp
Classification: Pathogenic for Smith-Lemli-Opitz syndrome. Last evaluated: 2026-01-26. Review status: criteria provided, single submitter. Criteria: Invitae Variant Classification Sherloc (09022015). Collection method: clinical testing. Allele origin: germline.
Comment: This sequence change replaces glutamic acid, which is acidic and polar, with lysine, which is basic and polar, at codon 448 of the DHCR7 protein (p.Glu448Lys). This variant is present in population databases (rs80338864, gnomAD 0.007%). This missense change has been observed in individual(s) with Smith-Lemli-Opitz syndrome (PMID: 10602371, 10995508, 12270273, 12949967). ClinVar contains an entry for this variant (Variation ID: 6792). Invitae Evidence Modeling of protein sequence and biophysical properties (such as structural, functional, and spatial information, amino acid conservation, physicochemical variation, residue mobility, and thermodynamic stability) indicates that this missense variant is expected to disrupt DHCR7 protein function with a positive predictive value of 95%. For these reasons, this variant has been classified as Pathogenic.

Natera, Inc.
Classification: Pathogenic for Smith-Lemli-Opitz syndrome. Last evaluated: 2025-12-08. Review status: criteria provided, single submitter. Criteria: Natera Variant Classification Schema (03/2026). Collection method: clinical testing. Allele origin: germline.
Comment: The c.1342G>A variant in DHCR7 is a missense variant predicted to cause substitution of glutamic acid to lysine at amino acid 448. This variant is rare in the general population with a frequency below the threshold expected for the associated phenotype(s). This variant has been observed in one or more individuals affected with the associated recessive disease, as either homozygous or compound heterozygous with a second variant (PMID: 34349606, 16181459, 20556518, 15896653, 11746018). Computational prediction algorithms indicate this variant is likely to affect gene or protein function. Given the available evidence, this variant is classified as Pathogenic.

3billion
Classification: Pathogenic for Smith-Lemli-Opitz syndrome. Last evaluated: 2025-10-27. Review status: criteria provided, single submitter. Criteria: ACMG Guidelines, 2015. Collection method: clinical testing. Allele origin: germline. Affected: yes.
Comment: The variant is observed at an extremely low frequency in the gnomAD v4.1.0 dataset (total allele frequency: 0.012%). Predicted Consequence/Location: Missense variant In silico tool predictions suggest damaging effect of the variant on gene or gene product [REVEL: 0.91 (>=0.6, sensitivity 0.68 and specificity 0.92); 3Cnet: 0.92 (> 0.75, sensitivity 0.96 and precision 0.92)]. The same nucleotide change resulting in the same amino acid change has been previously reported as pathogenic/likely pathogenic with strong evidence (ClinVar ID: VCV000006792 /PMID: 10602371). The variant has been reported to be in trans with a pathogenic variant as either compound heterozygous or homozygous in at least one similarly affected unrelated individual (PMID: 34349606). A different missense change at the same codon (p.Glu448Gln) has been reported as pathogenic/likely pathogenic with strong evidence (ClinVar ID: VCV000554965 /PMID: 10677299). Therefore, this variant is classified as Pathogenic according to the recommendation of ACMG/AMP guideline.

Victorian Clinical Genetics Services, Murdoch Childrens Research Institute
Classification: Pathogenic for Smith-Lemli-Opitz syndrome. Last evaluated: 2024-10-09. Review status: criteria provided, single submitter. Criteria: ACMG Guidelines, 2015. Collection method: clinical testing. Allele origin: germline. Inheritance: Autosomal recessive inheritance. Affected: yes.
Comment: Based on the classification scheme VCGS_Germline_v1.3.4, this variant is classified as Pathogenic. Following criteria are met: 0102 - Loss of function is a known mechanism of disease in this gene and is associated with Smith-Lemli-Opitz syndrome (MIM#270400). (I) 0106 - This gene is associated with autosomal recessive disease. (I) 0115 - Variants in this gene are known to have variable expressivity. Exceptionally mild and severe cases have been reported, with intra and interfamilial variable expressivity (PMIDs: 35305950, 20301322). (I) 0200 - Variant is predicted to result in a missense amino acid change from glutamic acid to lysine. (I) 0251 - This variant is heterozygous. (I) 0304 - Variant is present in gnomAD (v2) <0.01 for a recessive condition (10 heterozygotes, 0 homozygotes). (SP) 0309 - An alternative amino acid change at the same position has been observed in gnomAD (v2) (3 heterozygotes, 0 homozygotes). (I) 0501 - Missense variant consistently predicted to be damaging by multiple in silico tools or highly conserved with a major amino acid change. (SP) 0600 - Variant is located in the annotated ERG4_ERG24 domain (DECIPHER). (I) 0801 - This variant has strong previous evidence of pathogenicity in unrelated individuals. This variant has been classified as pathogenic by multiple clinical laboratories in ClinVar and has been observed in homozygous individuals with Smith-Lemli-Opitz syndrome (PMIDs: 10602371, 34349606). (SP) 1201 - Heterozygous variant detected in trans with a second pathogenic heterozygous variant (NM_001360.2:c.461C>G; p.(Thr154Arg)) in a recessive disease. (I) Legend: (SP) - Supporting pathogenic, (I) - Information, (SB) - Supporting benign

Fulgent Genetics
Classification: Likely pathogenic for Smith-Lemli-Opitz syndrome. Last evaluated: 2024-04-15. Review status: criteria provided, single submitter. Criteria: ACMG Guidelines, 2015. Collection method: clinical testing. Allele origin: germline.

Blueprint Genetics
Classification: Pathogenic for DHCR7-related disorders. Last evaluated: 2023-06-06. Review status: criteria provided, single submitter. Criteria: ACMG Guidelines, 2015. Collection method: clinical testing. Allele origin: germline. Affected: yes. Observed: 4 variant alleles.

GeneDx
Classification: Pathogenic. Last evaluated: 2022-04-15. Review status: criteria provided, single submitter. Criteria: GeneDx Variant Classification Process June 2021. Collection method: clinical testing. Allele origin: germline. Affected: yes.
Comment: Published functional studies demonstrate that the E448K variant reduced protein stability and expression (Witsch-Baumgartner et al., 2000); Not observed at a significant frequency in large population cohorts (gnomAD); In silico analysis, which includes protein predictors and evolutionary conservation, supports a deleterious effect; This variant is associated with the following publications: (PMID: 10602371, 10814720, 16181459, 12070263, 10995508, 12949967, 22975760, 10677299, 28166604, 27415407, 20301322, 16207203, 12270273, 34426522, 31589614)

Daryl Scott Lab, Baylor College of Medicine
Classification: Pathogenic for Smith-Lemli-Opitz syndrome. Last evaluated: 2022-02-01. Review status: criteria provided, single submitter. Criteria: ACMG Guidelines, 2015. Collection method: clinical testing. Allele origin: maternal. Observed: 1 variant allele.

Genome-Nilou Lab
Classification: Pathogenic for Smith-Lemli-Opitz syndrome. Last evaluated: 2021-07-22. Review status: criteria provided, single submitter. Criteria: ACMG Guidelines, 2015. Collection method: clinical testing. Allele origin: germline. Affected: no.

Myriad Genetics, Inc.
Classification: Likely pathogenic for Smith-Lemli-Opitz syndrome. Last evaluated: 2019-12-12. Review status: criteria provided, single submitter. Criteria: Myriad Women's Health Autosomal Recessive and X-Linked Classification Criteria (2019). Collection method: clinical testing. Allele origin: unknown.
Comment: NM_001360.2(DHCR7):c.1342G>A(E448K) is classified as likely pathogenic in the context of Smith-Lemli-Opitz syndrome. Sources cited for classification include the following: PMID 16181459, 10995508 and 10814720. Classification of NM_001360.2(DHCR7):c.1342G>A(E448K) is based on the following criteria: This variant has been observed more frequently in patients with clinical diagnoses than in healthy populations. Please note: this variant was assessed in the context of healthy population screening.

Women's Health and Genetics/Laboratory Corporation of America, LabCorp
Classification: Pathogenic for Smith-Lemli-Opitz syndrome. Last evaluated: 2017-06-30. Review status: criteria provided, single submitter. Criteria: LabCorp Variant Classification Summary - May 2015. Collection method: clinical testing. Allele origin: germline.
Comment: Variant summary: The DHCR7 c.1342G>A (p.Glu448Lys) variant involves the alteration of a conserved nucleotide. 3/4 in silico tools predict a damaging outcome for this variant (SNPsandGO not captured due to low reliability index). This variant was found in 1/117588 control chromosomes at a frequency of 0.0000085, which does not exceed the estimated maximal expected allele frequency of a pathogenic DHCR7 variant (0.0043301). The variant has been reported in numerous SLOS patients both in the homozygous and compound heterozygous state, and is known as a common disease variant. In addition, multiple clinical diagnostic laboratories/reputable databases classified this variant as pathogenic. Taken together, this variant is classified as pathogenic.

Eurofins Ntd Llc (ga)
Classification: Pathogenic. Last evaluated: 2013-08-13. Review status: criteria provided, single submitter. Criteria: EGL Classification Definitions. Collection method: clinical testing. Allele origin: germline. Observed: 1 variant allele, 1 heterozygote.

OMIM
Classification: Pathogenic for SMITH-LEMLI-OPITZ SYNDROME, MILD. Last evaluated: 2003-09-15. Review status: no assertion criteria provided. Collection method: literature only. Allele origin: germline. Not counted in ClinVar's aggregate classification.

GeneReviews
No classification provided. Condition: Smith-Lemli-Opitz syndrome. Review status: no classification provided. Collection method: literature only. Allele origin: unknown. Not counted in ClinVar's aggregate classification.

Literature cited by the submitters: PubMed 10602371 (cited by 4 submitters); PubMed 10995508 (cited by Labcorp Genetics (formerly Invitae), Labcorp and Myriad Genetics, Inc.); PubMed 12270273 (cited by Labcorp Genetics (formerly Invitae), Labcorp); PubMed 12949967 (cited by 3 submitters); PubMed 34349606 (cited by 3 submitters); PubMed 16181459 (cited by Natera, Inc. and Myriad Genetics, Inc.); PubMed 20556518 (cited by Natera, Inc.); PubMed 15896653 (cited by Natera, Inc.); PubMed 11746018 (cited by Natera, Inc.); PubMed 10677299 (cited by 3billion and Women's Health and Genetics/Laboratory Corporation of America, LabCorp); PubMed 20301322 (cited by Victorian Clinical Genetics Services, Murdoch Childrens Research Institute and GeneReviews); PubMed 35305950 (cited by Victorian Clinical Genetics Services, Murdoch Childrens Research Institute); PubMed 36474027 (cited by Daryl Scott Lab, Baylor College of Medicine); PubMed 10814720 (cited by Myriad Genetics, Inc.); PubMed 12070263 (cited by Women's Health and Genetics/Laboratory Corporation of America, LabCorp); PubMed 16207203 (cited by GeneReviews); NCBI Bookshelf NBK1143 (cited by GeneReviews).